The following is an entry in ClinVar:

ClinVar aggregate classification (germline): Uncertain significance (1 of 4 stars; one submission).

Submission:

Labcorp Genetics (formerly Invitae), Labcorp
Classification: Uncertain significance. Last evaluated: 2024-06-24. Review status: criteria provided, single submitter. Criteria: Invitae Variant Classification Sherloc (09022015). Collection method: clinical testing. Allele origin: germline.
Comment: This sequence change replaces cysteine, which is neutral and slightly polar, with arginine, which is basic and polar, at codon 1128 of the NBAS protein (p.Cys1128Arg). This variant is not present in population databases (gnomAD no frequency). This variant has not been reported in the literature in individuals affected with NBAS-related conditions. Advanced modeling of protein sequence and biophysical properties (such as structural, functional, and spatial information, amino acid conservation, physicochemical variation, residue mobility, and thermodynamic stability) performed at Invitae indicates that this missense variant is not expected to disrupt NBAS protein function with a negative predictive value of 95%. In summary, the available evidence is currently insufficient to determine the role of this variant in disease. Therefore, it has been classified as a Variant of Uncertain Significance.

NM_015909.4(NBAS):c.3382T>C (p.Cys1128Arg)

Gene: NBAS (NBAS subunit of NRZ tethering complex; minus strand). Cytogenetic location: 2p24.3.
Variant type: single nucleotide variant.
Coding change: c.3382T>C on transcript NM_015909.4 (MANE Select); coding-DNA position 3382, T replaced by C.
Protein change: p.Cys1128Arg; replaces cysteine 1128 with arginine.
Molecular consequence: missense variant. On other transcripts: non-coding transcript variant (1).
Genome position (GRCh38, 1-based): chr2:15,379,810, A>G on the plus strand (T>C on the coding strand, the complement: NBAS is on the minus strand). VCF-style: chr2-15379810-A-G. GRCh37 (hg19) VCF-style: chr2-15519934-A-G.
Other names: short protein forms C1128R.
Identifiers: ClinVar variation 3657655 (VCV003657655.2).